The following is an entry in ClinVar:

NM_001278116.2(L1CAM):c.2654T>A (p.Leu885Ter)

Gene: L1CAM (L1 cell adhesion molecule; minus strand). Cytogenetic location: Xq28.
Variant type: single nucleotide variant.
Coding change: c.2654T>A on transcript NM_001278116.2 (MANE Select); coding-DNA position 2654, T replaced by A.
Protein change: p.Leu885Ter; replaces leucine 885 with a stop codon.
Molecular consequence: nonsense.
Genome position (GRCh38, 1-based): chrX:153,865,394, A>T on the plus strand (T>A on the coding strand, the complement: L1CAM is on the minus strand). VCF-style: chrX-153865394-A-T. GRCh37 (hg19) VCF-style: chrX-153130849-A-T.
Other names: c.2654T>A, p.Leu885Ter (NM_000425.5, NM_024003.3); c.2639T>A, p.Leu880Ter (NM_001143963.2); short protein forms L880*, L885*.
Identifiers: ClinVar variation 1072630 (VCV001072630.7), dbSNP rs2148494096, ClinGen allele CA415116002.

ClinVar aggregate classification (germline): Pathogenic (1 of 4 stars; one submission).

Conditions:
Spastic paraplegia. Identifiers: MedGen C0037772, HP:0001258.

Submission:

Labcorp Genetics (formerly Invitae), Labcorp
Classification: Pathogenic for Spastic paraplegia. Last evaluated: 2020-02-27. Review status: criteria provided, single submitter. Criteria: Invitae Variant Classification Sherloc (09022015). Collection method: clinical testing. Allele origin: germline.
Comment: For these reasons, this variant has been classified as Pathogenic. Loss-of-function variants in L1CAM are known to be pathogenic (PMID: 19846429). This variant has not been reported in the literature in individuals with L1CAM-related conditions. This variant is not present in population databases (ExAC no frequency). This sequence change creates a premature translational stop signal (p.Leu885*) in the L1CAM gene. It is expected to result in an absent or disrupted protein product.

Literature cited by the submitters: PubMed 19846429.